The following is an entry in ClinVar:

NM_182961.4(SYNE1):c.7854C>T (p.Ser2618=)

Gene: SYNE1 (spectrin repeat containing nuclear envelope protein 1; minus strand). Cytogenetic location: 6q25.2.
Variant type: single nucleotide variant.
Coding change: c.7854C>T on transcript NM_182961.4 (MANE Select); coding-DNA position 7854, C replaced by T.
Protein change: p.Ser2618=; no amino-acid change (serine 2618 retained).
Molecular consequence: synonymous variant.
Genome position (GRCh38, 1-based): chr6:152,391,427, G>A on the plus strand (C>T on the coding strand, the complement: SYNE1 is on the minus strand). VCF-style: chr6-152391427-G-A. GRCh37 (hg19) VCF-style: chr6-152712562-G-A.
Other names: c.7875C>T, p.Ser2625= (NM_033071.5).
Identifiers: ClinVar variation 355903 (VCV000355903.23), dbSNP rs79449810, ClinGen allele CA4057678.

ClinVar aggregate classification (germline): Benign/Likely benign. Review status: criteria provided, multiple submitters, no conflicts (2 of 4 stars). 7 submissions from 6 submitters: Benign (5); Likely benign (2). Last evaluated 2026-05-01.

Conditions:
Autosomal recessive ataxia, Beauce type. Also called: SYNE1 Deficiency; ATAXIA, RECESSIVE, OF BEAUCE; SYNE1-Related Autosomal Recessive Cerebellar Ataxia; Spinocerebellar ataxia, autosomal recessive 8. Identifiers: Orphanet 88644, MedGen C1853116, MONDO:0012549, OMIM 610743.
Emery-Dreifuss muscular dystrophy 4, autosomal dominant (EDMD4). Also called: EMERY-DREIFUSS MUSCULAR DYSTROPHY 4 WITH VARIABLE FEATURES. Identifiers: Orphanet 261, MedGen C2751807, MONDO:0013071, OMIM 612998.

Allele frequency attached by ClinVar (database versions not stated): gnomAD 0.00039 and 0.00057; TOPMed 0.00109; gnomAD exomes 0.00135; ExAC 0.00143; 1000 Genomes Project 30x 0.00219; 1000 Genomes Project 0.00280.
gnomAD v4.1: 711 of 1,613,986 alleles (0.044%); highest among the groups gnomAD compares: East Asian, 1.5%; 6 homozygotes.

Submissions (7):

CeGaT Center for Human Genetics Tuebingen
Classification: Likely benign. Last evaluated: 2026-05-01. Review status: criteria provided, single submitter. Criteria: CeGaT Center For Human Genetics Tuebingen Variant Classification Criteria Version 2. Collection method: clinical testing. Allele origin: germline. Affected: yes. Observed: 1 variant allele.
Comment: SYNE1: BP4, BP7, BS1

Labcorp Genetics (formerly Invitae), Labcorp
Classification: Benign for Emery-Dreifuss muscular dystrophy 4, autosomal dominant; Autosomal recessive ataxia, Beauce type. Last evaluated: 2025-05-14. Review status: criteria provided, single submitter. Criteria: Invitae Variant Classification Sherloc (09022015). Collection method: clinical testing. Allele origin: germline.

Athena Diagnostics
Classification: Benign. Last evaluated: 2025-04-29. Review status: criteria provided, single submitter. Criteria: Athena Diagnostics Criteria. Collection method: clinical testing. Allele origin: unknown.
Comment: The frequency of this variant in the general population is higher than would generally be expected for pathogenic variants in this gene.

Blueprint Genetics
Classification: Likely benign. Last evaluated: 2024-11-08. Review status: criteria provided, single submitter. Criteria: ACMG Guidelines, 2015. Collection method: clinical testing. Allele origin: germline.

GeneDx
Classification: Benign. Last evaluated: 2018-03-22. Review status: criteria provided, single submitter. Criteria: GeneDx Variant Classification (06012015). Collection method: clinical testing. Allele origin: germline. Affected: yes.
Comment: This variant is considered likely benign or benign based on one or more of the following criteria: it is a conservative change, it occurs at a poorly conserved position in the protein, it is predicted to be benign by multiple in silico algorithms, and/or has population frequency not consistent with disease.

Illumina Laboratory Services, Illumina
Classification: Benign for Autosomal recessive ataxia, Beauce type. Last evaluated: 2018-01-13. Review status: criteria provided, single submitter. Criteria: ICSL Variant Classification Criteria 13 December 2019. Collection method: clinical testing. Allele origin: germline.
Comment: This variant was observed in the ICSL laboratory as part of a predisposition screen in an ostensibly healthy population. It had not been previously curated by ICSL or reported in the Human Gene Mutation Database (HGMD: prior to June 1st, 2018), and was therefore a candidate for classification through an automated scoring system. Utilizing variant allele frequency, disease prevalence and penetrance estimates, and inheritance mode, an automated score was calculated to assess if this variant is too frequent to cause the disease. Based on the score and internal cut-off values, a variant classified as benign is not then subjected to further curation. The score for this variant resulted in a classification of benign for this disease.

Illumina Laboratory Services, Illumina
Classification: Benign for Emery-Dreifuss muscular dystrophy 4, autosomal dominant. Last evaluated: 2018-01-13. Review status: criteria provided, single submitter. Criteria: ICSL Variant Classification Criteria 13 December 2019. Collection method: clinical testing. Allele origin: germline.
Comment: the same text as in the submission from Illumina Laboratory Services, Illumina above.